The following is an entry in ClinVar:

NM_000316.3(PTH1R):c.610G>A (p.Val204Ile)

Gene: PTH1R (parathyroid hormone 1 receptor; plus strand). Cytogenetic location: 3p21.31.
Variant type: single nucleotide variant.
Coding change: c.610G>A on transcript NM_000316.3 (MANE Select); coding-DNA position 610, G replaced by A.
Protein change: p.Val204Ile; replaces valine 204 with isoleucine.
Molecular consequence: missense variant.
Genome position (GRCh38, 1-based): chr3:46,898,444, G>A. VCF-style: chr3-46898444-G-A. GRCh37 (hg19) VCF-style: chr3-46939934-G-A.
Other names: c.610G>A, p.Val204Ile (NM_001184744.1); short protein forms V204I.
Identifiers: ClinVar variation 1486320 (VCV001486320.6), dbSNP rs1361353471, ClinGen allele CA352495794.

ClinVar aggregate classification (germline): Uncertain significance (1 of 4 stars; one submission).

Allele frequency attached by ClinVar (database versions not stated): gnomAD exomes 0.00001.
gnomAD v4.1: 6 of 1,614,008 alleles (0.00037%); highest among the groups gnomAD compares: South Asian, 0.0044%; no homozygotes.

Submission:

Labcorp Genetics (formerly Invitae), Labcorp
Classification: Uncertain significance. Last evaluated: 2024-10-24. Review status: criteria provided, single submitter. Criteria: Invitae Variant Classification Sherloc (09022015). Collection method: clinical testing. Allele origin: germline.
Comment: This sequence change replaces valine, which is neutral and non-polar, with isoleucine, which is neutral and non-polar, at codon 204 of the PTH1R protein (p.Val204Ile). This variant is present in population databases (no rsID available, gnomAD 0.01%). This variant has not been reported in the literature in individuals affected with PTH1R-related conditions. ClinVar contains an entry for this variant (Variation ID: 1486320). Invitae Evidence Modeling of protein sequence and biophysical properties (such as structural, functional, and spatial information, amino acid conservation, physicochemical variation, residue mobility, and thermodynamic stability) indicates that this missense variant is not expected to disrupt PTH1R protein function with a negative predictive value of 80%. This variant disrupts the p.Val204Glu amino acid residue in PTH1R. Other variant(s) that disrupt this residue have been determined to be pathogenic (PMID: 27019138). This suggests that this residue is clinically significant, and that variants that disrupt this residue are likely to be disease-causing. In summary, the available evidence is currently insufficient to determine the role of this variant in disease. Therefore, it has been classified as a Variant of Uncertain Significance.

Literature cited by the submitters: PubMed 27019138.